The following is an entry in ClinVar:

NM_000303.3(PMM2):c.586G>A (p.Val196Met)

Gene: PMM2 (phosphomannomutase 2; plus strand). Cytogenetic location: 16p13.2.
Variant type: single nucleotide variant.
Coding change: c.586G>A on transcript NM_000303.3 (MANE Select); coding-DNA position 586, G replaced by A.
Protein change: p.Val196Met; replaces valine 196 with methionine.
Molecular consequence: missense variant.
Genome position (GRCh38, 1-based): chr16:8,813,053, G>A. VCF-style: chr16-8813053-G-A. GRCh37 (hg19) VCF-style: chr16-8906910-G-A.
Other names: c.586G>A (NM_000303.2); short protein forms V196M.
Identifiers: ClinVar variation 1446886 (VCV001446886.5), dbSNP rs547216044, ClinGen allele CA7894143.

ClinVar aggregate classification (germline): Uncertain significance. Review status: criteria provided, multiple submitters, no conflicts (2 of 4 stars). 2 submissions from 2 submitters: Uncertain significance (2). Last evaluated 2024-11-09.

Conditions:
PMM2-congenital disorder of glycosylation. Also called: Congenital disorder of glycosylation, type Ia; CDG Ia; JAEKEN SYNDROME; PHOSPHOMANNOMUTASE 2 DEFICIENCY; CARBOHYDRATE-DEFICIENT GLYCOPROTEIN SYNDROME, TYPE Ia; PMM2-CDG. Identifiers: Orphanet 79318, MedGen C0349653, MONDO:0008907, OMIM 212065.
Inborn genetic diseases. Identifiers: MedGen C0950123, MeSH D030342.

Allele frequency attached by ClinVar (database versions not stated): gnomAD exomes 0.00003 and 0.00005; ExAC 0.00007; 1000 Genomes Project 30x 0.00016; 1000 Genomes Project 0.00020.
gnomAD v4.1: 45 of 1,613,688 alleles (0.0028%); highest among the groups gnomAD compares: South Asian, 0.04%; 1 homozygote.

Submissions (2):

Ambry Genetics
Classification: Uncertain significance for Inborn genetic diseases. Last evaluated: 2024-11-09. Review status: criteria provided, single submitter. Criteria: Ambry Variant Classification Scheme 2023. Collection method: clinical testing. Allele origin: germline.

Labcorp Genetics (formerly Invitae), Labcorp
Classification: Uncertain significance for PMM2-congenital disorder of glycosylation. Last evaluated: 2022-05-17. Review status: criteria provided, single submitter. Criteria: Invitae Variant Classification Sherloc (09022015). Collection method: clinical testing. Allele origin: germline.
Comment: This sequence change replaces valine, which is neutral and non-polar, with methionine, which is neutral and non-polar, at codon 196 of the PMM2 protein (p.Val196Met). This variant is present in population databases (rs547216044, gnomAD 0.04%). This variant has not been reported in the literature in individuals affected with PMM2-related conditions. Algorithms developed to predict the effect of missense changes on protein structure and function are either unavailable or do not agree on the potential impact of this missense change (SIFT: "Deleterious"; PolyPhen-2: "Possibly Damaging"; Align-GVGD: "Class C0"). In summary, the available evidence is currently insufficient to determine the role of this variant in disease. Therefore, it has been classified as a Variant of Uncertain Significance.